The following is an entry in ClinVar:

NM_004260.4(RECQL4):c.2328G>A (p.Met776Ile)

Gene: RECQL4 (RecQ like helicase 4; minus strand). Cytogenetic location: 8q24.3.
Variant type: single nucleotide variant.
Coding change: c.2328G>A on transcript NM_004260.4 (MANE Select); coding-DNA position 2328, G replaced by A.
Protein change: p.Met776Ile; replaces methionine 776 with isoleucine.
Molecular consequence: missense variant.
Genome position (GRCh38, 1-based): chr8:144,513,353, C>T on the plus strand (G>A on the coding strand, the complement: RECQL4 is on the minus strand). VCF-style: chr8-144513353-C-T. GRCh37 (hg19) VCF-style: chr8-145738736-C-T.
Other names: short protein forms M776I.
Identifiers: ClinVar variation 528956 (VCV000528956.7), dbSNP rs1368178192, ClinGen allele CA372678338.

ClinVar aggregate classification (germline): Uncertain significance (1 of 4 stars; one submission).

Conditions:
Baller-Gerold syndrome (BGS). Also called: CRANIOSYNOSTOSIS WITH RADIAL DEFECTS. Identifiers: Orphanet 1225, MedGen C0265308, MONDO:0009039, OMIM 218600.

Allele frequency attached by ClinVar (database versions not stated): TOPMed below 0.00001; gnomAD exomes 0.00001.
gnomAD v4.1: 10 of 1,605,912 alleles (0.00062%); highest among the groups gnomAD compares: Admixed American, 0.0017%; no homozygotes.

Submission:

Labcorp Genetics (formerly Invitae), Labcorp
Classification: Uncertain significance for Baller-Gerold syndrome. Last evaluated: 2025-09-14. Review status: criteria provided, single submitter. Criteria: Invitae Variant Classification Sherloc (09022015). Collection method: clinical testing. Allele origin: germline.
Comment: This sequence change replaces methionine, which is neutral and non-polar, with isoleucine, which is neutral and non-polar, at codon 776 of the RECQL4 protein (p.Met776Ile). The frequency data for this variant in the population databases is considered unreliable, as metrics indicate poor data quality at this position in the gnomAD database. This variant has not been reported in the literature in individuals affected with RECQL4-related conditions. ClinVar contains an entry for this variant (Variation ID: 528956). Invitae Evidence Modeling of protein sequence and biophysical properties (such as structural, functional, and spatial information, amino acid conservation, physicochemical variation, residue mobility, and thermodynamic stability) indicates that this missense variant is expected to disrupt RECQL4 protein function with a positive predictive value of 80%. In summary, the available evidence is currently insufficient to determine the role of this variant in disease. Therefore, it has been classified as a Variant of Uncertain Significance.